The following is an entry in ClinVar:

ClinVar aggregate classification (germline): Benign. Review status: criteria provided, multiple submitters, no conflicts (2 of 4 stars). 3 submissions from 3 submitters: Benign (3). Last evaluated 2024-01-24.

Allele frequency attached by ClinVar (database versions not stated): ESP Exome Variant Server 0.28621; TOPMed 0.32849; 1000 Genomes Project 0.37600; 1000 Genomes Project 30x 0.37945.
gnomAD v4.1: 386,838 of 1,517,638 alleles (25%); highest among the groups gnomAD compares: Admixed American, 45%; 54,744 homozygotes.

Submissions (3):

Unidad de Genómica Garrahan, Hospital de Pediatría Garrahan
Classification: Benign. Last evaluated: 2024-01-24. Review status: criteria provided, single submitter. Criteria: ACMG Guidelines, 2015. Collection method: clinical testing. Allele origin: germline. Affected: no. Observed: 64 variant alleles.
Comment: This variant is classified as Benign based on local population frequency. This variant was detected in 73% of patients studied by a panel of primary immunodeficiencies. Number of patients: 64. Only high quality variants are reported.

GeneDx
Classification: Benign. Last evaluated: 2018-07-09. Review status: criteria provided, single submitter. Criteria: GeneDx Variant Classification Process June 2021. Collection method: clinical testing. Allele origin: germline. Affected: yes.

Breakthrough Genomics
Classification: Benign. Review status: criteria provided, single submitter. Criteria: ACMG Guidelines, 2015. Collection method: not provided. Allele origin: germline. Inheritance: Autosomal recessive inheritance. Affected: yes.

NM_152468.5(TMC8):c.1252-52A>G

Gene: TMC8 (transmembrane channel like 8; plus strand). Cytogenetic location: 17q25.3.
Variant type: single nucleotide variant.
Coding change: c.1252-52A>G on transcript NM_152468.5 (MANE Select); 52 bases into the intron before coding-DNA position 1252, A replaced by G.
Molecular consequence: intron variant.
Genome position (GRCh38, 1-based): chr17:78,137,665, A>G. VCF-style: chr17-78137665-A-G. GRCh37 (hg19) VCF-style: chr17-76133746-A-G.
Identifiers: ClinVar variation 1242401 (VCV001242401.5), dbSNP rs12449680, ClinGen allele CA14412282.